The following is an entry in ClinVar:

ClinVar aggregate classification (germline): Pathogenic (1 of 4 stars; one submission).

Conditions:
Arrhythmogenic right ventricular dysplasia 8 (ARVD8). Also called: ARRHYTHMOGENIC RIGHT VENTRICULAR DYSPLASIA, FAMILIAL, 8; ARRHYTHMOGENIC RIGHT VENTRICULAR CARDIOMYOPATHY 8; Arrhythmogenic Right Ventricular Dysplasia/Cardiomyopathy 8. Identifiers: MedGen C1843896, MONDO:0011831, OMIM 607450.
Arrhythmogenic cardiomyopathy with wooly hair and keratoderma. Also called: Dilated cardiomyopathy with woolly hair and keratoderma; PALMOPLANTAR KERATODERMA WITH LEFT VENTRICULAR CARDIOMYOPATHY AND WOOLLY HAIR; Arrhythmogenic cardiomyopathy with woolly hair and keratoderma; Carvajal syndrome. Identifiers: Orphanet 65282, MedGen C1854063, MONDO:0011581, OMIM 605676.

Submission:

Labcorp Genetics (formerly Invitae), Labcorp
Classification: Pathogenic for Arrhythmogenic cardiomyopathy with wooly hair and keratoderma; Arrhythmogenic right ventricular dysplasia 8. Last evaluated: 2022-04-28. Review status: criteria provided, single submitter. Criteria: Invitae Variant Classification Sherloc (09022015). Collection method: clinical testing. Allele origin: germline.
Comment: This variant is not present in population databases (gnomAD no frequency). This variant has not been reported in the literature in individuals affected with DSP-related conditions. For these reasons, this variant has been classified as Pathogenic. This sequence change creates a premature translational stop signal (p.Ile1372Glnfs*37) in the DSP gene. It is expected to result in an absent or disrupted protein product. Loss-of-function variants in DSP are known to be pathogenic (PMID: 20716751, 24503780, 25227139).

Literature cited by the submitters: PubMed 20716751; PubMed 24503780; PubMed 25227139.

NM_004415.4(DSP):c.4113_4114insCAAG (p.Ile1372fs)

Gene: DSP (desmoplakin; plus strand). Cytogenetic location: 6p24.3.
Variant type: Insertion.
Coding change: c.4113_4114insCAAG on transcript NM_004415.4 (MANE Select); coding-DNA positions 4113 to 4114, CAAG inserted.
Protein change: p.Ile1372fs; shifts the reading frame from isoleucine 1372.
Molecular consequence: frameshift variant. On other transcripts: intron variant (2).
Genome position: GRCh38 VCF-style: chr6-7580303-C-CCAAG. GRCh37 (hg19) VCF-style: chr6-7580536-C-CCAAG.
Other names: c.4050+63_4050+64insCAAG (NM_001319034.2); c.3582+531_3582+532insCAAG (NM_001008844.3); short protein forms I1372fs.
Identifiers: ClinVar variation 2131197 (VCV002131197.4), dbSNP rs2533927492, ClinGen allele CA2580075416.